The following is an entry in ClinVar:

NM_017780.4(CHD7):c.5029C>T (p.Arg1677Ter)

Gene: CHD7 (chromodomain helicase DNA binding protein 7; plus strand). Cytogenetic location: 8q12.2.
Variant type: single nucleotide variant.
Coding change: c.5029C>T on transcript NM_017780.4 (MANE Select); coding-DNA position 5029, C replaced by T.
Protein change: p.Arg1677Ter; replaces arginine 1677 with a stop codon.
Molecular consequence: nonsense. On other transcripts: intron variant (1).
Genome position (GRCh38, 1-based): chr8:60,845,042, C>T. VCF-style: chr8-60845042-C-T. GRCh37 (hg19) VCF-style: chr8-61757601-C-T.
Other names: c.5029C>T (LRG_176t1); c.1717-17187C>T (NM_001316690.1); short protein forms R1677*.
Identifiers: ClinVar variation 279762 (VCV000279762.9), dbSNP rs777652245, ClinGen allele CA10603092.

ClinVar aggregate classification (germline): Pathogenic. Review status: criteria provided, multiple submitters, no conflicts (2 of 4 stars). 6 submissions from 6 submitters: Pathogenic (6). Last evaluated 2025-06-24.

Conditions:
CHARGE syndrome (CHARGE). Also called: Hittner Hirsch Kreh syndrome; Coloboma, heart anomaly, choanal atresia, retardation, genital and ear anomalies; CHARGE association; Hall-Hittner syndrome; CHARGE ASSOCIATION--COLOBOMA, HEART ANOMALY, CHOANAL ATRESIA, RETARDATION, GENITAL AND EAR ANOMALIES. Identifiers: Orphanet 138, MedGen C0265354, MONDO:0008965.
Hypogonadotropic hypogonadism 5 with or without anosmia (KAL5). Also called: CHD7-Related GnRH Deficiency (Kallmann Syndrome 5); HYPOGONADOTROPIC HYPOGONADISM 5 WITH ANOSMIA; HYPOGONADOTROPHIC HYPOGONADISM 5 WITHOUT ANOSMIA. Identifiers: Orphanet 478, MedGen C3552553, MONDO:0012880, OMIM 612370. Disease mechanism: loss of function.
CHD7-related CHARGE syndrome. Identifiers: MedGen CN380413, MONDO:1010178, OMIM 214800.

Submissions (6):

Variantyx, Inc.
Classification: Pathogenic for CHD7-related CHARGE syndrome. Last evaluated: 2025-06-24. Review status: criteria provided, single submitter. Criteria: Variantyx Assertion Criteria 2022. Collection method: clinical testing. Allele origin: germline. Inheritance: Autosomal recessive inheritance. Affected: yes.
Comment: This is a nonsense variant in the CHD7 gene (OMIM: 608892). Pathogenic variants in this gene have been associated with autosomal dominant CHARGE syndrome. This variant introduces a premature termination codon in exon 22 out of 38 and is expected to result in loss of function, which is a known disease mechanism for CHD7 in this disorder (PMID: 28475860) (PVS1). This variant has been reported in at least 4 unrelated affected individuals (PMID: 31729160, 28475860, 21158681) (PS4_Moderate) and is absent from control populations. Based on the current evidence, this variant is classified as pathogenic for autosomal dominant CHARGE syndrome.

Revvity Omics, Revvity
Classification: Pathogenic. Last evaluated: 2025-04-16. Review status: criteria provided, single submitter. Criteria: ACMG Guidelines, 2015. Collection method: clinical testing. Allele origin: germline.

3billion
Classification: Pathogenic for CHD7-related CHARGE syndrome. Last evaluated: 2024-09-11. Review status: criteria provided, single submitter. Criteria: ACMG Guidelines, 2015. Collection method: clinical testing. Allele origin: germline. Affected: yes.
Comment: The variant is not observed in the gnomAD v4.0.0 dataset. Predicted Consequence/Location: Stop-gained (nonsense): predicted to result in a loss or disruption of normal protein function through nonsense-mediated decay (NMD) or protein truncation. Multiple pathogenic variants are reported downstream of the variant. The variant has been reported at least twice as pathogenic without evidence for the classification (ClinVar ID: VCV000279762 /PMID: 21158681). Therefore, this variant is classified as Pathogenic according to the recommendation of ACMG/AMP guideline.

Fulgent Genetics
Classification: Pathogenic for CHD7-related CHARGE syndrome; Hypogonadotropic hypogonadism 5 with or without anosmia. Last evaluated: 2024-01-08. Review status: criteria provided, single submitter. Criteria: ACMG Guidelines, 2015. Collection method: clinical testing. Allele origin: germline.

GeneDx
Classification: Pathogenic. Last evaluated: 2021-12-21. Review status: criteria provided, single submitter. Criteria: GeneDx Variant Classification Process June 2021. Collection method: clinical testing. Allele origin: germline. Affected: yes.
Comment: Nonsense variant predicted to result in protein truncation or nonsense mediated decay in a gene for which loss-of-function is a known mechanism of disease; Not observed in large population cohorts (gnomAD); This variant is associated with the following publications: (PMID: 21158681, 28475860, 31729160)

Labcorp Genetics (formerly Invitae), Labcorp
Classification: Pathogenic for CHARGE association. Last evaluated: 2019-04-14. Review status: criteria provided, single submitter. Criteria: Invitae Variant Classification Sherloc (09022015). Collection method: clinical testing. Allele origin: germline.
Comment: This sequence change creates a premature translational stop signal (p.Arg1677*) in the CHD7 gene. It is expected to result in an absent or disrupted protein product. This variant is not present in population databases (ExAC no frequency). This variant has been observed in several individuals with clinical features of CHD7-related disease (PMID: 21158681, 28475860). ClinVar contains an entry for this variant (Variation ID: 279762). Loss-of-function variants in CHD7 are known to be pathogenic (PMID: 22461308, 25077900). For these reasons, this variant has been classified as Pathogenic.

Literature cited by the submitters: PubMed 31729160 (cited by Variantyx, Inc.); PubMed 28475860 (cited by Variantyx, Inc. and Labcorp Genetics (formerly Invitae), Labcorp); PubMed 21158681 (cited by 3 submitters).